The following is an entry in ClinVar:

ClinVar aggregate classification (germline): Uncertain significance (1 of 4 stars; one submission).

Conditions:
Hereditary cancer-predisposing syndrome. Also called: Hereditary neoplastic syndrome; Neoplastic Syndromes, Hereditary; Tumor predisposition; Hereditary Cancer Syndrome. Identifiers: Orphanet 140162, MedGen C0027672, MeSH D009386, MONDO:0015356.

Allele frequency attached by ClinVar (database versions not stated): TOPMed below 0.00001; ESP Exome Variant Server 0.00008.

Submission:

Ambry Genetics
Classification: Uncertain significance for Hereditary cancer-predisposing syndrome. Last evaluated: 2021-06-26. Review status: criteria provided, single submitter. Criteria: Ambry Variant Classification Scheme 2023. Collection method: clinical testing. Allele origin: germline.
Comment: The p.E2378D variant (also known as c.7134G>C), located in coding exon 48 of the ATM gene, results from a G to C substitution at nucleotide position 7134. The glutamic acid at codon 2378 is replaced by aspartic acid, an amino acid with highly similar properties. This amino acid position is conserved. In addition, this alteration is predicted to be tolerated by in silico analysis. Since supporting evidence is limited at this time, the clinical significance of this alteration remains unclear.

NM_000051.4(ATM):c.7134G>C (p.Glu2378Asp)

Genes: ATM (ATM serine/threonine kinase; plus strand), C11orf65 (chromosome 11 open reading frame 65; minus strand). Cytogenetic location: 11q22.3.
Variant type: single nucleotide variant.
Coding change: c.7134G>C on transcript NM_000051.4 (MANE Select); coding-DNA position 7134, G replaced by C.
Protein change: p.Glu2378Asp; replaces glutamic acid 2378 with aspartic acid.
Molecular consequence: missense variant. On other transcripts: intron variant (2).
Genome position (GRCh38, 1-based): chr11:108,329,065, G>C. VCF-style: chr11-108329065-G-C. GRCh37 (hg19) VCF-style: chr11-108199792-G-C.
Other names: c.7134G>C, p.Glu2378Asp (NM_001351834.2); c.641-19994C>G (NM_001330368.2); c.*38+6155C>G (NM_001351110.2); short protein forms E2378D.
Identifiers: ClinVar variation 1757326 (VCV001757326.2), dbSNP rs376185463, ClinGen allele CA228415338.